The following is an entry in ClinVar:

ClinVar aggregate classification (germline): Conflicting classifications of pathogenicity. Review status: criteria provided, conflicting classifications (1 of 4 stars). 4 submissions from 4 submitters: Uncertain significance (1); Likely benign (2). 1 of the submissions does not count toward it. Last evaluated 2026-02-03.

Conditions:
LZTR1-related disorder. Also called: LZTR1-related disorders; LZTR1-related condition.

Allele frequency attached by ClinVar (database versions not stated): gnomAD exomes 0.00002 and 0.00003; TOPMed 0.00002; ExAC 0.00003; gnomAD 0.00003 and 0.00004.
gnomAD v4.1: 53 of 1,612,692 alleles (0.0033%); highest among the groups gnomAD compares: Non-Finnish European, 0.0043%; no homozygotes.

Submissions (4):

Labcorp Genetics (formerly Invitae), Labcorp
Classification: Likely benign. Last evaluated: 2026-02-03. Review status: criteria provided, single submitter. Criteria: Invitae Variant Classification Sherloc (09022015). Collection method: clinical testing. Allele origin: germline.

GeneDx
Classification: Uncertain significance. Last evaluated: 2024-06-27. Review status: criteria provided, single submitter. Criteria: GeneDx Variant Classification Process June 2021. Collection method: clinical testing. Allele origin: germline. Affected: yes.
Comment: Has not been previously published as pathogenic or benign to our knowledge; In silico analysis suggests this variant may impact gene splicing. In the absence of RNA/functional studies, the actual effect of this sequence change is unknown.

Blueprint Genetics
Classification: Likely benign. Last evaluated: 2023-06-05. Review status: criteria provided, single submitter. Criteria: ACMG Guidelines, 2015. Collection method: clinical testing. Allele origin: germline.

PreventionGenetics, part of Exact Sciences
Classification: Likely benign for LZTR1-related condition. Last evaluated: 2020-09-03. Review status: no assertion criteria provided. Collection method: clinical testing. Allele origin: germline. Not counted in ClinVar's aggregate classification.
Comment: This variant is classified as likely benign based on ACMG/AMP sequence variant interpretation guidelines (Richards et al. 2015 PMID: 25741868, with internal and published modifications).

NM_006767.4(LZTR1):c.2220-6C>T

Gene: LZTR1 (leucine zipper like post translational regulator 1; plus strand). Cytogenetic location: 22q11.21.
Variant type: single nucleotide variant.
Coding change: c.2220-6C>T on transcript NM_006767.4 (MANE Select); 6 bases into the intron before coding-DNA position 2220, C replaced by T.
Molecular consequence: intron variant.
Genome position (GRCh38, 1-based): chr22:20,996,690, C>T. VCF-style: chr22-20996690-C-T. GRCh37 (hg19) VCF-style: chr22-21350979-C-T.
Other names: c.2220-6C>T (NM_006767.3).
Identifiers: ClinVar variation 1656171 (VCV001656171.12), dbSNP rs751178858, ClinGen allele CA10119306.
Genomic context (GRCh38, chr22:20,996,690, plus strand): 5'-CTGTCCTTCCCTGGGAGGGTGCGGGCGGACCAGCTTCCTTTAGTCAGCTCCTTAACCAGG[C>T]CCCAGCTACTTGTTTGCGGCCCCCTACTACTACGGCTTCTACAACAACCGGCTGCAGGCG-3'